The following is an entry in ClinVar:

NM_003816.3(ADAM9):c.1532A>G (p.Tyr511Cys)

Gene: ADAM9 (ADAM metallopeptidase domain 9; plus strand). Cytogenetic location: 8p11.22.
Variant type: single nucleotide variant.
Coding change: c.1532A>G on transcript NM_003816.3 (MANE Select); coding-DNA position 1532, A replaced by G.
Protein change: p.Tyr511Cys; replaces tyrosine 511 with cysteine.
Molecular consequence: missense variant. On other transcripts: non-coding transcript variant (3).
Genome position (GRCh38, 1-based): chr8:39,055,713, A>G. VCF-style: chr8-39055713-A-G. GRCh37 (hg19) VCF-style: chr8-38913232-A-G.
Other names: c.1532A>G (NM_003816.2); short protein forms Y511C.
Identifiers: ClinVar variation 1964227 (VCV001964227.6), dbSNP rs560445503, ClinGen allele CA4721640.
Genomic context (GRCh38, chr8:39,055,713, plus strand): 5'-AGTTCTGTCAGCCAGATGTTTTTATTCAGAATGGATATCCTTGCCAGAATAACAAAGCCT[A>G]TTGCTACAACGGCATGTGCCAGTATTATGATGCTCAATGTCAAGTCATCTTTGGCTCAAG-3'
Protein context (NP_003807.1, residues 501-521): NGYPCQNNKA[Tyr511Cys]CYNGMCQYYD

ClinVar aggregate classification (germline): Uncertain significance. Review status: criteria provided, multiple submitters, no conflicts (2 of 4 stars). 2 submissions from 2 submitters: Uncertain significance (2). Last evaluated 2023-10-20.

Conditions:
Inborn genetic diseases. Identifiers: MedGen C0950123, MeSH D030342.

Allele frequency attached by ClinVar (database versions not stated): TOPMed below 0.00001; ExAC 0.00001; gnomAD 0.00001; gnomAD exomes 0.00001.
gnomAD v4.1: 14 of 1,613,622 alleles (0.00087%); highest among the groups gnomAD compares: Middle Eastern, 0.033%; no homozygotes.

Submissions (2):

Ambry Genetics
Classification: Uncertain significance for Inborn genetic diseases. Last evaluated: 2023-10-20. Review status: criteria provided, single submitter. Criteria: Ambry Variant Classification Scheme 2023. Collection method: clinical testing. Allele origin: germline.

Labcorp Genetics (formerly Invitae), Labcorp
Classification: Uncertain significance. Last evaluated: 2022-10-24. Review status: criteria provided, single submitter. Criteria: Invitae Variant Classification Sherloc (09022015). Collection method: clinical testing. Allele origin: germline.
Comment: This variant is present in population databases (rs560445503, gnomAD 0.003%). This sequence change replaces tyrosine, which is neutral and polar, with cysteine, which is neutral and slightly polar, at codon 511 of the ADAM9 protein (p.Tyr511Cys). Advanced modeling of protein sequence and biophysical properties (such as structural, functional, and spatial information, amino acid conservation, physicochemical variation, residue mobility, and thermodynamic stability) has been performed at Invitae for this missense variant, however the output from this modeling did not meet the statistical confidence thresholds required to predict the impact of this variant on ADAM9 protein function. This variant has not been reported in the literature in individuals affected with ADAM9-related conditions. In summary, the available evidence is currently insufficient to determine the role of this variant in disease. Therefore, it has been classified as a Variant of Uncertain Significance.